The following is an entry in ClinVar:

NM_006766.5(KAT6A):c.1400A>C (p.Glu467Ala)

Gene: KAT6A (lysine acetyltransferase 6A; minus strand). Cytogenetic location: 8p11.21.
Variant type: single nucleotide variant.
Coding change: c.1400A>C on transcript NM_006766.5 (MANE Select); coding-DNA position 1400, A replaced by C.
Protein change: p.Glu467Ala; replaces glutamic acid 467 with alanine.
Molecular consequence: missense variant.
Genome position (GRCh38, 1-based): chr8:41,974,786, T>G on the plus strand (A>C on the coding strand, the complement: KAT6A is on the minus strand). VCF-style: chr8-41974786-T-G. GRCh37 (hg19) VCF-style: chr8-41832304-T-G.
Other names: c.1400A>C, p.Glu467Ala (NM_001305878.2); short protein forms E467A.
Identifiers: ClinVar variation 2877977 (VCV002877977.3), dbSNP rs1198850283, ClinGen allele CA371075430.
Genomic context (GRCh38, chr8:41,974,786, plus strand): 5'-TCACGAAATAATTCCATATCTTTCTCAGTCATGATTTCCTGGCTCCCAAAAAGTCGCTCC[T>G]CATTTTCTTGTTTGCCATCCCAGCCATCCTGATTGTCTACATATAAAAAAAGAGCTCACA-3'
Protein context (NP_006757.2, residues 457-477): QDGWDGKQEN[Glu467Ala]ERLFGSQEIM

ClinVar aggregate classification (germline): Uncertain significance (1 of 4 stars; one submission).

Allele frequency attached by ClinVar (database versions not stated): gnomAD exomes below 0.00001; TOPMed below 0.00001; gnomAD 0.00001.
gnomAD v4.1: 3 of 1,610,634 alleles (0.00019%); highest among the groups gnomAD compares: Non-Finnish European, 0.00017%; no homozygotes.

Submission:

Labcorp Genetics (formerly Invitae), Labcorp
Classification: Uncertain significance. Last evaluated: 2024-04-22. Review status: criteria provided, single submitter. Criteria: Invitae Variant Classification Sherloc (09022015). Collection method: clinical testing. Allele origin: germline.
Comment: This sequence change replaces glutamic acid, which is acidic and polar, with alanine, which is neutral and non-polar, at codon 467 of the KAT6A protein (p.Glu467Ala). This variant is present in population databases (no rsID available, gnomAD 0.0009%). This variant has not been reported in the literature in individuals affected with KAT6A-related conditions. An algorithm developed to predict the effect of missense changes on protein structure and function (PolyPhen-2) suggests that this variant is likely to be tolerated. In summary, the available evidence is currently insufficient to determine the role of this variant in disease. Therefore, it has been classified as a Variant of Uncertain Significance.